The following is an entry in ClinVar:

ClinVar aggregate classification (germline): Likely pathogenic (1 of 4 stars; one submission).

Conditions:
Nephronophthisis-like nephropathy 1 (NPHPL1). Identifiers: Orphanet 655, MedGen C3150419, MONDO:0013163, OMIM 613159.

Allele frequency attached by ClinVar (database versions not stated): gnomAD exomes below 0.00001.

Submission:

Institute of Human Genetics, FAU Erlangen, Friedrich-Alexander-Universität Erlangen-Nürnberg
Classification: Likely pathogenic for Nephronophthisis-like nephropathy 1. Last evaluated: 2023-05-02. Review status: criteria provided, single submitter. Criteria: Hauer et al. (Genet Med. 2018). Collection method: clinical testing. Allele origin: germline. Inheritance: Autosomal recessive inheritance. Affected: yes. Observed: 2 variant alleles.
Comment: This variant has been identified by standard clinical testing.

NM_022098.4(XPNPEP3):c.1194_1200del (p.Asp398fs)

Gene: XPNPEP3 (X-prolyl aminopeptidase 3; plus strand). Cytogenetic location: 22q13.2.
Variant type: Deletion.
Coding change: c.1194_1200del on transcript NM_022098.4 (MANE Select); coding-DNA positions 1194 to 1200, 7 bases deleted (CTTGGGG; older notation c.1194_1200delCTTGGGG).
Protein change: p.Asp398fs; shifts the reading frame from aspartic acid 398.
Molecular consequence: frameshift variant.
Genome position (GRCh38, 1-based): chr22:40,922,471-40,922,477, CTTGGGG deleted. VCF-style (leftmost placement, unchanged base first): chr22-40922470-ACTTGGGG-A. GRCh37 (hg19) VCF-style: chr22-41318474-ACTTGGGG-A.
Other names: short protein forms D398fs.
Identifiers: ClinVar variation 2500237 (VCV002500237.1), dbSNP rs2517999041, ClinGen allele CA2580099803.